The following is an entry in ClinVar:

NM_000512.5(GALNS):c.850T>G (p.Phe284Val)

Gene: GALNS (galactosamine (N-acetyl)-6-sulfatase; minus strand). Cytogenetic location: 16q24.3.
Variant type: single nucleotide variant.
Coding change: c.850T>G on transcript NM_000512.5 (MANE Select); coding-DNA position 850, T replaced by G.
Protein change: p.Phe284Val; replaces phenylalanine 284 with valine.
Molecular consequence: missense variant.
Genome position (GRCh38, 1-based): chr16:88,835,261, A>C on the plus strand (T>G on the coding strand, the complement: GALNS is on the minus strand). VCF-style: chr16-88835261-A-C. GRCh37 (hg19) VCF-style: chr16-88901669-A-C.
Other names: c.295T>G, p.Phe99Val (NM_001323543.2); c.868T>G, p.Phe290Val (NM_001323544.2); short protein forms F284V, F99V, F290V.
Identifiers: ClinVar variation 321200 (VCV000321200.34), dbSNP rs144067930, ClinGen allele CA8234959.

ClinVar aggregate classification (germline): Conflicting classifications of pathogenicity. Review status: criteria provided, conflicting classifications (1 of 4 stars). 13 submissions from 13 submitters: Pathogenic (1); Likely pathogenic (10); Uncertain significance (2). Last evaluated 2026-02-02.

Conditions:
GALNS-related disorders.
GALNS-related disorder. Also called: GALNS-related condition.
Morquio syndrome. Also called: Mucopolysaccharidosis, Type IV; MPS IV; Mucopolysaccharidosis type 4; Eccentrochondrodysplasia. Identifiers: Orphanet 582, MedGen C0026707, MONDO:0018938.
Mucopolysaccharidosis, MPS-IV-A (MPS4A). Also called: mucopolysaccharidosis type 4A; Morquio syndrome A, mild; MORQUIO SYNDROME A; MPS IVA; Mucopolysaccharidosis type IV A; GALACTOSAMINE-6-SULFATASE DEFICIENCY. Identifiers: Orphanet 309297, Orphanet 582, MedGen C0086651, MONDO:0009659, OMIM 253000.

Allele frequency attached by ClinVar (database versions not stated): gnomAD 0.00017 and 0.00021; gnomAD exomes 0.00022 and 0.00035; TOPMed 0.00022; ESP Exome Variant Server 0.00031; ExAC 0.00037; 1000 Genomes Project 30x 0.00078; 1000 Genomes Project 0.00080.
gnomAD v4.1: 536 of 1,610,180 alleles (0.033%); highest among the groups gnomAD compares: Non-Finnish European, 0.039%; 1 homozygote.

Submissions (13):

Labcorp Genetics (formerly Invitae), Labcorp
Classification: Pathogenic for Mucopolysaccharidosis, MPS-IV-A. Last evaluated: 2026-02-02. Review status: criteria provided, single submitter. Criteria: Invitae Variant Classification Sherloc (09022015). Collection method: clinical testing. Allele origin: germline.
Comment: This sequence change replaces phenylalanine, which is neutral and non-polar, with valine, which is neutral and non-polar, at codon 284 of the GALNS protein (p.Phe284Val). This variant is present in population databases (rs144067930, gnomAD 0.03%), including at least one homozygous and/or hemizygous individual. This missense change has been observed in individual(s) with mucopolysaccharidosis IV (PMID: 23876334, 30980944). ClinVar contains an entry for this variant (Variation ID: 321200). Invitae Evidence Modeling of protein sequence and biophysical properties (such as structural, functional, and spatial information, amino acid conservation, physicochemical variation, residue mobility, and thermodynamic stability) indicates that this missense variant is expected to disrupt GALNS protein function with a positive predictive value of 95%. For these reasons, this variant has been classified as Pathogenic.

PreventionGenetics, part of Exact Sciences
Classification: Likely pathogenic for GALNS-related condition. Last evaluated: 2026-01-22. Review status: criteria provided, single submitter. Criteria: ACMG Guidelines, 2015. Collection method: clinical testing. Allele origin: germline.
Comment: The GALNS c.850T>G variant is predicted to result in the amino acid substitution p.Phe284Val. This variant has been reported in multiple individuals with mucopolysaccharidosis IVa and has been associated with an attenuated phenotype in some (Yamada et al 1998. PubMed ID: 9521421; Dũng et al. 2013. PubMed ID: 23876334; Morrone et al. 2014. PubMed ID: 24726177; Tüysüz et al. 2019. PubMed ID: 30980944). In silico analysis suggests the variant leads to a loss of hydrophobic packing of the protein and may be associated with milder phenotypes (Rivera-Colón et al. 2012. PubMed ID: 22940367). This variant is reported in 0.034% of alleles in individuals of European (Non-Finnish) descent in gnomAD. This variant is interpreted as likely pathogenic.

Women's Health and Genetics/Laboratory Corporation of America, LabCorp
Classification: Likely pathogenic for Morquio syndrome. Last evaluated: 2025-08-29. Review status: criteria provided, single submitter. Criteria: LabCorp Variant Classification Summary - May 2015. Collection method: clinical testing. Allele origin: germline.
Comment: Variant summary: GALNS c.850T>G (p.Phe284Val) results in a non-conservative amino acid change located in the Sulfatase, N-terminal domain (IPR000917) of the encoded protein sequence. Algorithms developed to predict the effect of missense changes on protein structure and function all suggest that this variant is likely to be disruptive. The variant allele was found at a frequency of 0.00022 in 244338 control chromosomes. This frequency is not significantly higher than estimated for disease-causing variants in GALNS, allowing no conclusion about variant significance.c.850T>G has been reported in the literature in individuals affected with Mucopolysaccharidosis Type IVA (Morquio Syndrome A) as a homozygous and compound heterozygous genotype (e.g. Yamada_1998, Dung_2013, and Tuysuz_2019). These data indicate that the variant is likely to be associated with disease. To our knowledge, no experimental evidence demonstrating an impact on protein function has been reported. The following publications have been ascertained in the context of this evaluation (PMID: 23876334, 9521421, 30609409, 34405919, 30980944). ClinVar contains an entry for this variant (Variation ID: 321200). Based on the evidence outlined above, the variant was classified as likely pathogenic.

Mayo Clinic Laboratories, Mayo Clinic
Classification: Likely pathogenic. Last evaluated: 2025-08-14. Review status: criteria provided, single submitter. Criteria: ACMG Guidelines, 2015. Collection method: clinical testing. Allele origin: germline. Observed: 1 variant allele.
Comment: PP3, PP4, PM2_supporting, PM3_strong

First Genomix Gene Laboratory, Genetic Diagnostics Department
Classification: Likely pathogenic for Mucopolysaccharidosis, MPS-IV-A. Last evaluated: 2025-03-24. Review status: criteria provided, single submitter. Criteria: ACMG Guidelines, 2015. Collection method: clinical testing. Allele origin: germline. Inheritance: Autosomal recessive inheritance. Affected: no. Observed: 1 variant allele.

Blueprint Genetics
Classification: Likely pathogenic for GALNS-related disorders. Last evaluated: 2024-06-25. Review status: criteria provided, single submitter. Criteria: ACMG Guidelines, 2015. Collection method: clinical testing. Allele origin: germline. Affected: yes. Observed: 5 variant alleles.

Fulgent Genetics
Classification: Likely pathogenic for Mucopolysaccharidosis, MPS-IV-A. Last evaluated: 2024-05-04. Review status: criteria provided, single submitter. Criteria: ACMG Guidelines, 2015. Collection method: clinical testing. Allele origin: germline.

GeneDx
Classification: Uncertain significance. Last evaluated: 2024-03-04. Review status: criteria provided, single submitter. Criteria: GeneDx Variant Classification Process June 2021. Collection method: clinical testing. Allele origin: germline. Affected: yes.
Comment: In silico analysis supports that this missense variant does not alter protein structure/function; This variant is associated with the following publications: (PMID: 34426522, 25501214, 22940367, 25287660, 30609409, 30980944, 34387910, 23876334, 16287098, 34813777, 34405919, 24726177, 9521421)

Department of Pathology and Laboratory Medicine, Sinai Health System
Classification: Likely pathogenic for Mucopolysaccharidosis, MPS-IV-A. Last evaluated: 2023-01-25. Review status: criteria provided, single submitter. Criteria: ACMG Guidelines, 2015. Collection method: research. Allele origin: germline.

Genome-Nilou Lab
Classification: Likely pathogenic for Mucopolysaccharidosis, MPS-IV-A. Last evaluated: 2021-11-07. Review status: criteria provided, single submitter. Criteria: ACMG Guidelines, 2015. Collection method: clinical testing. Allele origin: germline. Affected: no.

Laboratory of Diagnosis and Therapy of Lysosomal Disorders, University of Padova
Classification: Uncertain significance for Mucopolysaccharidosis, MPS-IV-A. Last evaluated: 2021-02-01. Review status: criteria provided, single submitter. Criteria: ACMG Guidelines, 2015. Collection method: curation. Allele origin: germline. Affected: yes.
Comment: In vivo functional studies supportive of a damaging effect on the gene product (low to null enzymatic activity in homozygotes; PS3_supporting); the prevalence of the variant in affected individuals is significantly increased compared with the prevalence in controls (PS4_supporting); very low frequency in gnomAD v2.1.1 (PM2_moderate)

Illumina Laboratory Services, Illumina
Classification: Likely pathogenic for Mucopolysaccharidosis, MPS-IV-A. Last evaluated: 2017-04-28. Review status: criteria provided, single submitter. Criteria: ICSL Variant Classification Criteria 09 May 2019. Collection method: clinical testing. Allele origin: germline.
Comment: The GALNS c.850T>G (p.Phe284Val) missense variant has been reported in three studies in which it is found in a total of three patients with mucopolysaccharidosis type IV, including in one in a homozygous state, in one in a compound heterozygous state with a deletion on the second allele, and in one in a heterozygous state (Yamada et al. 1998; Dung et al. 2013; Morrone et al. 2014). The p.Phe284Val variant was absent from 200 control chromosomes (Dung et al. 2013), and is reported at a frequency of 0.0008 in the total population of the 1000 Genomes Project. The Phe284 residue is highly conserved and is located in a hydrophobic core of the protein (Dung et al. 2013; Olarte-Avellaneda et al. 2014). Enzyme activity in the individual who was compound hetreozygous for the variant was demonstrated to be only 4% of wild type (Morrone et al. 2014). Based on the evidence, the p.Phe284Val variant is classified as likely pathogenic for mucopolysaccharidosis, type IV. This variant was observed by ICSL as part of a predisposition screen in an ostensibly healthy population.

Laboratory for Molecular Medicine, Mass General Brigham Personalized Medicine
Classification: Likely pathogenic for Morquio syndrome. Last evaluated: 2016-05-09. Review status: criteria provided, single submitter. Criteria: LMM Criteria. Collection method: clinical testing. Allele origin: germline. Inheritance: Autosomal recessive inheritance. Observed: 1 variant allele.
Comment: The p.Phe284Val variant in GALNS has been reported in four patients with mucopol ysaccharidosis type IVa (one compound heterozygote and two homozygotes) (Yamada 1998, Morrone 2014, Dung 2013). This variant has also been identified in 0.04% ( 28/75778) of chromosomes by the Exome Aggregation Consortium (ExAC.; dbSNP rs144067930). Although this variant has been seen in t he general population, its frequency is low enough to be consistent with a reces sive carrier frequency. Computational prediction tools and conservation analysis do not provide strong support for or against an impact to the protein. In summa ry, although additional studies are required to fully establish its clinical sig nificance, the p.Phe284Val variant is likely pathogenic.

Literature cited by the submitters: PubMed 23876334 (cited by 6 submitters); PubMed 30980944 (cited by 4 submitters); PubMed 9521421 (cited by 5 submitters); PubMed 30609409 (cited by Women's Health and Genetics/Laboratory Corporation of America, LabCorp and Mayo Clinic Laboratories, Mayo Clinic); PubMed 34405919 (cited by Women's Health and Genetics/Laboratory Corporation of America, LabCorp and Mayo Clinic Laboratories, Mayo Clinic); PubMed 16287098 (cited by Mayo Clinic Laboratories, Mayo Clinic and Laboratory of Diagnosis and Therapy of Lysosomal Disorders, University of Padova); PubMed 24726177 (cited by 4 submitters); PubMed 34387910 (cited by Laboratory of Diagnosis and Therapy of Lysosomal Disorders, University of Padova); PubMed 25287660 (cited by Illumina Laboratory Services, Illumina and Laboratory for Molecular Medicine, Mass General Brigham Personalized Medicine).